The following is an entry in ClinVar:

NM_138713.4(NFAT5):c.2826A>G (p.Gly942=)

Gene: NFAT5 (nuclear factor of activated T cells 5; plus strand). Cytogenetic location: 16q22.1.
Variant type: single nucleotide variant.
Coding change: c.2826A>G on transcript NM_138713.4 (MANE Select); coding-DNA position 2826, A replaced by G.
Protein change: p.Gly942=; no amino-acid change (glycine 942 retained).
Molecular consequence: synonymous variant.
Genome position (GRCh38, 1-based): chr16:69,692,651, A>G. VCF-style: chr16-69692651-A-G. GRCh37 (hg19) VCF-style: chr16-69726554-A-G.
Other names: c.2823A>G, p.Gly941= (NM_001113178.3); c.2151A>G, p.Gly717= (NM_001367709.1); c.2772A>G, p.Gly924= (NM_006599.4); c.2544A>G, p.Gly848= (NM_138714.4, NM_173214.3, NM_173215.3).
Identifiers: ClinVar variation 732146 (VCV000732146.13), dbSNP rs745397287, ClinGen allele CA8135809.

ClinVar aggregate classification (germline): Likely benign. Review status: criteria provided, multiple submitters, no conflicts (2 of 4 stars). 3 submissions from 3 submitters: Likely benign (2). 1 of the submissions does not count toward it. Last evaluated 2025-12-31.

Conditions:
NFAT5-related disorder. Also called: NFAT5-related condition.
Immunodeficiency. Identifiers: MedGen C0021051, MONDO:0021094, HP:0002721.

Allele frequency attached by ClinVar (database versions not stated): gnomAD exomes 0.00001 and 0.00004; ExAC 0.00002; gnomAD 0.00004; TOPMed 0.00004.
gnomAD v4.1: 82 of 1,614,218 alleles (0.0051%); highest among the groups gnomAD compares: East Asian, 0.016%; 3 homozygotes.

Submissions (3):

Labcorp Genetics (formerly Invitae), Labcorp
Classification: Likely benign for Immunodeficiency. Last evaluated: 2025-12-31. Review status: criteria provided, single submitter. Criteria: Invitae Variant Classification Sherloc (09022015). Collection method: clinical testing. Allele origin: germline.

Blueprint Genetics
Classification: Likely benign. Last evaluated: 2024-11-25. Review status: criteria provided, single submitter. Criteria: ACMG Guidelines, 2015. Collection method: clinical testing. Allele origin: germline.

PreventionGenetics, part of Exact Sciences
Classification: Likely benign for NFAT5-related condition. Last evaluated: 2019-07-12. Review status: no assertion criteria provided. Collection method: clinical testing. Allele origin: germline. Not counted in ClinVar's aggregate classification.
Comment: This variant is classified as likely benign based on ACMG/AMP sequence variant interpretation guidelines (Richards et al. 2015 PMID: 25741868, with internal and published modifications).